The following is an entry in ClinVar:

NM_032043.3(BRIP1):c.569G>A (p.Gly190Glu)

Gene: BRIP1 (BRCA1 interacting DNA helicase 1; minus strand). Cytogenetic location: 17q23.2.
Variant type: single nucleotide variant.
Coding change: c.569G>A on transcript NM_032043.3 (MANE Select); coding-DNA position 569, G replaced by A.
Protein change: p.Gly190Glu; replaces glycine 190 with glutamic acid.
Molecular consequence: missense variant.
Genome position (GRCh38, 1-based): chr17:61,847,159, C>T on the plus strand (G>A on the coding strand, the complement: BRIP1 is on the minus strand). VCF-style: chr17-61847159-C-T. GRCh37 (hg19) VCF-style: chr17-59924520-C-T.
Other names: short protein forms G190E.
Identifiers: ClinVar variation 407803 (VCV000407803.15), dbSNP rs756269682, ClinGen allele CA8690908.

ClinVar aggregate classification (germline): Uncertain significance. Review status: criteria provided, multiple submitters, no conflicts (2 of 4 stars). 4 submissions from 4 submitters: Uncertain significance (4). Last evaluated 2025-08-24.

Conditions:
Hereditary cancer-predisposing syndrome. Also called: Hereditary neoplastic syndrome; Neoplastic Syndromes, Hereditary; Tumor predisposition; Hereditary Cancer Syndrome. Identifiers: Orphanet 140162, MedGen C0027672, MeSH D009386, MONDO:0015356.
Familial cancer of breast. Also called: Hereditary breast cancer; hereditary breast carcinoma; BREAST CANCER, FAMILIAL. Identifiers: Orphanet 227535, MedGen C0346153, MONDO:0016419, OMIM 114480. Disease mechanism: loss of function.
Fanconi anemia complementation group J. Also called: BRIP1-Related Fanconi Anemia. Identifiers: Orphanet 84, MedGen C1836860, MONDO:0012187, OMIM 609054.

Allele frequency attached by ClinVar (database versions not stated): ExAC 0.00001; gnomAD exomes 0.00001.
gnomAD v4.1: 3 of 1,613,612 alleles (0.00019%); highest among the groups gnomAD compares: East Asian, 0.0022%; no homozygotes.

Submissions (4):

Labcorp Genetics (formerly Invitae), Labcorp
Classification: Uncertain significance for Familial cancer of breast; Fanconi anemia complementation group J. Last evaluated: 2025-08-24. Review status: criteria provided, single submitter. Criteria: Invitae Variant Classification Sherloc (09022015). Collection method: clinical testing. Allele origin: germline.
Comment: This sequence change replaces glycine, which is neutral and non-polar, with glutamic acid, which is acidic and polar, at codon 190 of the BRIP1 protein (p.Gly190Glu). This variant is present in population databases (rs756269682, gnomAD 0.006%). This variant has not been reported in the literature in individuals affected with BRIP1-related conditions. ClinVar contains an entry for this variant (Variation ID: 407803). Invitae Evidence Modeling of protein sequence and biophysical properties (such as structural, functional, and spatial information, amino acid conservation, physicochemical variation, residue mobility, and thermodynamic stability) indicates that this missense variant is not expected to disrupt BRIP1 protein function with a negative predictive value of 95%. In summary, the available evidence is currently insufficient to determine the role of this variant in disease. Therefore, it has been classified as a Variant of Uncertain Significance.

Quest Diagnostics Nichols Institute San Juan Capistrano
Classification: Uncertain significance. Last evaluated: 2025-07-14. Review status: criteria provided, single submitter. Criteria: Quest Diagnostics criteria. Collection method: clinical testing. Allele origin: unknown.
Comment: The BRIP1 c.569G>A (p.Gly190Glu) variant has not been reported in individuals with BRIP1-related conditions in the published literature. The frequency of this variant in the general population (Genome Aggregation Database) is uninformative in the assessment of its pathogenicity. Analysis of this variant using bioinformatics tools for the prediction of the effect of amino acid changes on protein structure and function yielded predictions that this variant is benign. Based on the available information, we are unable to determine the clinical significance of this variant.

Ambry Genetics
Classification: Uncertain significance for Hereditary cancer-predisposing syndrome. Last evaluated: 2022-05-20. Review status: criteria provided, single submitter. Criteria: Ambry Variant Classification Scheme 2023. Collection method: clinical testing. Allele origin: germline.
Comment: The p.G190E variant (also known as c.569G>A), located in coding exon 5 of the BRIP1 gene, results from a G to A substitution at nucleotide position 569. The glycine at codon 190 is replaced by glutamic acid, an amino acid with similar properties. This amino acid position is conserved. In addition, this alteration is predicted to be tolerated by in silico analysis. Since supporting evidence is limited at this time, the clinical significance of this alteration remains unclear.

Color Diagnostics, LLC DBA Color Health
Classification: Uncertain significance for Hereditary cancer-predisposing syndrome. Last evaluated: 2019-09-13. Review status: criteria provided, single submitter. Criteria: ACMG Guidelines, 2015. Collection method: clinical testing. Allele origin: germline.
Comment: This missense variant replaces glycine with glutamic acid at codon 190 of the BRIP1 protein. Computational prediction tool suggests that this variant may not impact protein structure and function (internally defined REVEL score threshold ≤ 0.5, PMID: 27666373). Splice site prediction tools suggest that this variant may not impact RNA splicing. To our knowledge, functional studies have not been performed for this variant. This variant has not been reported in individuals affected with hereditary cancer in the literature. This variant has been identified in 2/251338 chromosomes in the general population by the Genome Aggregation Database (gnomAD). The available evidence is insufficient to determine the role of this variant in disease conclusively. Therefore, this variant is classified as a Variant of Uncertain Significance.